The following is an entry in ClinVar:

NM_006364.4(SEC23A):c.1880C>A (p.Ser627Tyr)

Gene: SEC23A (SEC23 homolog A, COPII component; minus strand). Cytogenetic location: 14q21.1.
Variant type: single nucleotide variant.
Coding change: c.1880C>A on transcript NM_006364.4 (MANE Select); coding-DNA position 1880, C replaced by A.
Protein change: p.Ser627Tyr; replaces serine 627 with tyrosine.
Molecular consequence: missense variant.
Genome position (GRCh38, 1-based): chr14:39,045,182, G>T on the plus strand (C>A on the coding strand, the complement: SEC23A is on the minus strand). VCF-style: chr14-39045182-G-T. GRCh37 (hg19) VCF-style: chr14-39514386-G-T.
Other names: c.1880C>A (NM_006364.2); short protein forms S627Y.
Identifiers: ClinVar variation 3700720 (VCV003700720.3).

ClinVar aggregate classification (germline): Uncertain significance. Review status: criteria provided, multiple submitters, no conflicts (2 of 4 stars). 2 submissions from 2 submitters: Uncertain significance (2). Last evaluated 2025-12-10.

Conditions:
Craniolenticulosutural dysplasia (CLSD). Also called: BOYADJIEV-JABS SYNDROME. Identifiers: Orphanet 50814, MedGen C1843042, MONDO:0011911, OMIM 607812.

gnomAD v4.1: 2 of 1,613,494 alleles (0.00012%); highest among the groups gnomAD compares: South Asian, 0.0011%; no homozygotes.

Submissions (2):

Ambry Genetics
Classification: Uncertain significance. Last evaluated: 2025-12-10. Review status: criteria provided, single submitter. Criteria: Ambry Variant Classification Scheme 2023. Collection method: clinical testing. Allele origin: germline.

Labcorp Genetics (formerly Invitae), Labcorp
Classification: Uncertain significance for Craniolenticulosutural dysplasia. Last evaluated: 2024-05-04. Review status: criteria provided, single submitter. Criteria: Invitae Variant Classification Sherloc (09022015). Collection method: clinical testing. Allele origin: germline.
Comment: This sequence change replaces serine, which is neutral and polar, with tyrosine, which is neutral and polar, at codon 627 of the SEC23A protein (p.Ser627Tyr). This variant is not present in population databases (gnomAD no frequency). This variant has not been reported in the literature in individuals affected with SEC23A-related conditions. Advanced modeling of protein sequence and biophysical properties (such as structural, functional, and spatial information, amino acid conservation, physicochemical variation, residue mobility, and thermodynamic stability) performed at Invitae indicates that this missense variant is expected to disrupt SEC23A protein function with a positive predictive value of 80%. In summary, the available evidence is currently insufficient to determine the role of this variant in disease. Therefore, it has been classified as a Variant of Uncertain Significance.